The following is an entry in ClinVar:

ClinVar aggregate classification (germline): Uncertain significance (1 of 4 stars; one submission).

Conditions:
Autosomal recessive limb-girdle muscular dystrophy type 2J (LGMDR10). Also called: Limb-girdle muscular dystrophy, type 2J; MUSCULAR DYSTROPHY, LIMB-GIRDLE, AUTOSOMAL RECESSIVE 10. Identifiers: Orphanet 140922, MedGen C1837342, MONDO:0012127, OMIM 608807.
Dilated cardiomyopathy 1G (CMD1G). Identifiers: Orphanet 154, MedGen C1858763, MONDO:0011400, OMIM 604145.

gnomAD v4.1: 4 of 1,528,870 alleles (0.00026%); highest among the groups gnomAD compares: South Asian, 0.0039%; no homozygotes.

Submission:

Labcorp Genetics (formerly Invitae), Labcorp
Classification: Uncertain significance for Dilated cardiomyopathy 1G; Autosomal recessive limb-girdle muscular dystrophy type 2J. Last evaluated: 2024-03-21. Review status: criteria provided, single submitter. Criteria: Invitae Variant Classification Sherloc (09022015). Collection method: clinical testing. Allele origin: germline.
Comment: This sequence change replaces lysine, which is basic and polar, with arginine, which is basic and polar, at codon 35524 of the TTN protein (p.Lys35524Arg). The frequency data for this variant in the population databases is considered unreliable, as metrics indicate poor data quality at this position in the gnomAD database. This variant has not been reported in the literature in individuals affected with TTN-related conditions. Experimental studies and prediction algorithms are not available or were not evaluated, and the functional significance of this variant is currently unknown. This variant is located in the M band of TTN (PMID: 25589632). Non-truncating variants in this region may be relevant for neuromuscular disorders, but have not been definitively shown to cause cardiomyopathy (PMID: 23975875). In summary, the available evidence is currently insufficient to determine the role of this variant in disease. Therefore, it has been classified as a Variant of Uncertain Significance.

Literature cited by the submitters: PubMed 25589632; PubMed 23975875.

NM_001267550.2(TTN):c.106571A>G (p.Lys35524Arg)

Genes: TTN-AS1 (TTN antisense RNA 1; plus strand), TTN (titin; minus strand). Cytogenetic location: 2q31.2.
Variant type: single nucleotide variant.
Coding change: c.106571A>G on transcript NM_001267550.2 (MANE Select); coding-DNA position 106571, A replaced by G.
Protein change: p.Lys35524Arg; replaces lysine 35524 with arginine.
Molecular consequence: missense variant.
Genome position (GRCh38, 1-based): chr2:178,529,180, T>C on the plus strand (A>G on the coding strand, the complement: TTN is on the minus strand). VCF-style: chr2-178529180-T-C. GRCh37 (hg19) VCF-style: chr2-179393907-T-C.
Other names: c.101648A>G, p.Lys33883Arg (NM_001256850.1); c.79751A>G, p.Lys26584Arg (NM_133432.3); c.79952A>G, p.Lys26651Arg (NM_133437.4); c.79376A>G, p.Lys26459Arg (NM_003319.4); c.98867A>G, p.Lys32956Arg (NM_133378.4); short protein forms K26459R, K26584R, K26651R, K32956R, K33883R, K35524R.
Identifiers: ClinVar variation 3751275 (VCV003751275.2).